The following is an entry in ClinVar:

ClinVar aggregate classification (germline): Pathogenic. Review status: criteria provided, multiple submitters, no conflicts (2 of 4 stars). 2 submissions from 2 submitters: Pathogenic (2). Last evaluated 2023-10-23.

Conditions:
Hereditary breast ovarian cancer syndrome. Also called: BRCA1- and BRCA2-Associated Hereditary Breast and Ovarian Cancer; Hereditary breast and ovarian cancer syndrome (HBOC); Hereditary breast and ovarian cancer syndrome; Breast and ovarian cancer; Hereditary breast and/or ovarian cancer syndrome; Hereditary breast and ovarian cancer. Identifiers: Orphanet 145, MedGen C0677776, MeSH D061325, MONDO:0003582. Disease mechanism: loss of function.
Hereditary cancer-predisposing syndrome. Also called: Neoplastic Syndromes, Hereditary; Hereditary Cancer Syndrome; Hereditary neoplastic syndrome; Tumor predisposition. Identifiers: Orphanet 140162, MedGen C0027672, MeSH D009386, MONDO:0015356.

Submissions (2):

Labcorp Genetics (formerly Invitae), Labcorp
Classification: Pathogenic for Hereditary breast ovarian cancer syndrome. Last evaluated: 2023-10-23. Review status: criteria provided, single submitter. Criteria: Invitae Variant Classification Sherloc (09022015). Collection method: clinical testing. Allele origin: germline.
Comment: This sequence change creates a premature translational stop signal (p.Glu1352Glyfs*4) in the BRCA1 gene. It is expected to result in an absent or disrupted protein product. Loss-of-function variants in BRCA1 are known to be pathogenic (PMID: 20104584). This variant is not present in population databases (gnomAD no frequency). This premature translational stop signal has been observed in individual(s) with BRCA1-related conditions (PMID: 19353265). ClinVar contains an entry for this variant (Variation ID: 2565350). Algorithms developed to predict the effect of sequence changes on RNA splicing suggest that this variant may disrupt the consensus splice site. For these reasons, this variant has been classified as Pathogenic.

Ambry Genetics
Classification: Pathogenic for Hereditary cancer-predisposing syndrome. Last evaluated: 2023-05-13. Review status: criteria provided, single submitter. Criteria: Ambry Variant Classification Scheme 2023. Collection method: clinical testing. Allele origin: germline.
Comment: The c.4052_4053insA pathogenic mutation, located in coding exon 9 of the BRCA1 gene, results from an insertion of one nucleotide at position 4052, causing a translational frameshift with a predicted alternate stop codon (p.E1352Gfs*4). This variant is considered to be rare based on population cohorts in the Genome Aggregation Database (gnomAD). This alteration is expected to result in loss of function by premature protein truncation or nonsense-mediated mRNA decay. As such, this alteration is interpreted as a disease-causing mutation.

Literature cited by the submitters: PubMed 20104584 (cited by Labcorp Genetics (formerly Invitae), Labcorp); PubMed 19353265 (cited by Labcorp Genetics (formerly Invitae), Labcorp).

NM_007294.4(BRCA1):c.4052_4053insA (p.Glu1352fs)

Genes: BRCA1 (BRCA1 DNA repair associated; minus strand), LOC126862571 (BRD4-independent group 4 enhancer GRCh37_chr17:41243136-41244335; plus strand). Cytogenetic location: 17q21.31.
Variant type: Insertion.
Coding change: c.4052_4053insA on transcript NM_007294.4 (MANE Select); coding-DNA positions 4052 to 4053, A inserted.
Protein change: p.Glu1352fs; shifts the reading frame from glutamic acid 1352.
Molecular consequence: frameshift variant. On other transcripts: intron variant (135).
Genome position: GRCh38 VCF-style: chr17-43091478-C-CT. GRCh37 (hg19) VCF-style: chr17-41243495-C-CT.
Other names: c.4049_4050insA, p.Glu1351fs (NM_001407634.1, NM_001407638.1, NM_001407636.1 and 22 more transcripts); c.668-447_668-446insA (NM_001408431.1, NM_001408424.1, NM_001408421.1); c.785-447_785-446insA (NM_001408402.1, NM_001408473.1, NM_001408407.1 and 13 more transcripts); c.4052_4053insA, p.Glu1352fs (NM_001407639.1, NM_001407581.1, NM_001407582.1 and 30 more transcripts); c.662-447_662-446insA (NM_001408432.1, NM_001408433.1, NM_001408446.1 and 6 more transcripts); c.3839_3840insA, p.Glu1281fs (NM_001407571.1, NM_001407853.1, NM_001407894.1 and 9 more transcripts); c.4043_4044insA, p.Glu1349fs (NM_001407646.1, NM_001407647.1); c.3929_3930insA, p.Glu1311fs (NM_001407648.1, NM_001407664.1, NM_001407665.1 and 19 more transcripts); and 41 more; short protein forms E1225fs, E1240fs, E1264fs, E1282fs, E1285fs, E1326fs, E1351fs, E1224fs.
Identifiers: ClinVar variation 2565350 (VCV002565350.5), dbSNP rs2552108732, ClinGen allele CA2580612633.